The following is an entry in ClinVar:

NM_015072.5(TTLL5):c.2806C>G (p.Leu936Val)

Gene: TTLL5 (tubulin tyrosine ligase like 5; plus strand). Cytogenetic location: 14q24.3.
Variant type: single nucleotide variant.
Coding change: c.2806C>G on transcript NM_015072.5 (MANE Select); coding-DNA position 2806, C replaced by G.
Protein change: p.Leu936Val; replaces leucine 936 with valine.
Molecular consequence: missense variant.
Genome position (GRCh38, 1-based): chr14:75,783,350, C>G. VCF-style: chr14-75783350-C-G. GRCh37 (hg19) VCF-style: chr14-76249693-C-G.
Other names: short protein forms L936V.
Identifiers: ClinVar variation 1716163 (VCV001716163.3), dbSNP rs1412323844, ClinGen allele CA390472413.

ClinVar aggregate classification (germline): Uncertain significance (1 of 4 stars; one submission).

Allele frequency attached by ClinVar (database versions not stated): gnomAD exomes below 0.00001; TOPMed 0.00001.

Submission:

Labcorp Genetics (formerly Invitae), Labcorp
Classification: Uncertain significance. Last evaluated: 2022-07-16. Review status: criteria provided, single submitter. Criteria: Invitae Variant Classification Sherloc (09022015). Collection method: clinical testing. Allele origin: germline.
Comment: Algorithms developed to predict the effect of missense changes on protein structure and function (SIFT, PolyPhen-2, Align-GVGD) all suggest that this variant is likely to be tolerated. In summary, the available evidence is currently insufficient to determine the role of this variant in disease. Therefore, it has been classified as a Variant of Uncertain Significance. This variant has not been reported in the literature in individuals affected with TTLL5-related conditions. This variant is not present in population databases (gnomAD no frequency). This sequence change replaces leucine, which is neutral and non-polar, with valine, which is neutral and non-polar, at codon 936 of the TTLL5 protein (p.Leu936Val).